The following is an entry in ClinVar:

ClinVar aggregate classification (germline): Conflicting classifications of pathogenicity. Review status: criteria provided, conflicting classifications (1 of 4 stars). 4 submissions from 4 submitters: Uncertain significance (1); Likely benign (3). Last evaluated 2026-02-04.

Conditions:
Fanconi anemia complementation group P. Also called: SLX4-Related Fanconi Anemia. Identifiers: Orphanet 84, MedGen C3469542, MONDO:0013499, OMIM 613951.
Fanconi anemia (FA). Also called: Fanconi's anemia. Identifiers: Orphanet 84, MedGen C0015625, MeSH D005199, MONDO:0019391.

Allele frequency attached by ClinVar (database versions not stated): gnomAD 0.00001 and 0.00009; TOPMed 0.00002; gnomAD exomes 0.00032; ExAC 0.00037; 1000 Genomes Project 30x 0.00078; 1000 Genomes Project 0.00080.
gnomAD v4.1: 241 of 1,614,098 alleles (0.015%); highest among the groups gnomAD compares: South Asian, 0.21%; 2 homozygotes.

Submissions (4):

Labcorp Genetics (formerly Invitae), Labcorp
Classification: Likely benign for Fanconi anemia. Last evaluated: 2026-02-04. Review status: criteria provided, single submitter. Criteria: Invitae Variant Classification Sherloc (09022015). Collection method: clinical testing. Allele origin: germline.

CeGaT Center for Human Genetics Tuebingen
Classification: Likely benign. Last evaluated: 2023-10-01. Review status: criteria provided, single submitter. Criteria: CeGaT Center For Human Genetics Tuebingen Variant Classification Criteria Version 2. Collection method: clinical testing. Allele origin: germline. Affected: yes. Observed: 1 variant allele.
Comment: SLX4: BP4

Genetic Services Laboratory, University of Chicago
Classification: Uncertain significance. Last evaluated: 2023-02-04. Review status: criteria provided, single submitter. Criteria: ACMG Guidelines, 2015. Collection method: clinical testing. Allele origin: germline. Affected: no.
Comment: DNA sequence analysis of the SLX4 gene demonstrated a sequence change, c.3634G>A, in exon 12 that results in an amino acid change, p.Ala1212Thr. This sequence change does not appear to have been previously described in individuals with SLX4-related disorders. This sequence change has been described in the gnomAD database with a frequency of 0.23% in the South Asian subpopulation (dbSNP rs574844562). The p.Ala1212Thr change affects a poorly conserved amino acid residue located in a domain of the SLX4 protein that is not known to be functional. The p.Ala1212Thr substitution appears to be benign using several in-silico pathogenicity prediction tools (SIFT, PolyPhen2, Align GVGD, REVEL). Due to insufficient evidences and the lack of functional studies, the clinical significance of the p.Ala1212Thr change remains unknown at this time. Bi-allelic pathogenic variants in the SLX4 gene have been identified in individuals with Fanconi anemia of complementation group P [OMIM#613951]. Heterozygous loss of function mutations in SLX4 may contribute to the development of breast cancer in very rare cases.

Fulgent Genetics
Classification: Likely benign for Fanconi anemia complementation group P. Last evaluated: 2021-08-19. Review status: criteria provided, single submitter. Criteria: ACMG Guidelines, 2015. Collection method: clinical testing. Allele origin: unknown.

NM_032444.4(SLX4):c.3634G>A (p.Ala1212Thr)

Gene: SLX4 (SLX4 structure-specific endonuclease subunit; minus strand). Cytogenetic location: 16p13.3.
Variant type: single nucleotide variant.
Coding change: c.3634G>A on transcript NM_032444.4 (MANE Select); coding-DNA position 3634, G replaced by A.
Protein change: p.Ala1212Thr; replaces alanine 1212 with threonine.
Molecular consequence: missense variant.
Genome position (GRCh38, 1-based): chr16:3,590,004, C>T on the plus strand (G>A on the coding strand, the complement: SLX4 is on the minus strand). VCF-style: chr16-3590004-C-T. GRCh37 (hg19) VCF-style: chr16-3640005-C-T.
Other names: c.3634G>A (NM_032444.3); short protein forms A1212T.
Identifiers: ClinVar variation 697558 (VCV000697558.36), dbSNP rs574844562, ClinGen allele CA7865883.
Genomic context (GRCh38, chr16:3,590,004, plus strand): 5'-TCCTGCCCAAAGAGCCCCGATTCTCCGGCAGCGCCCCCTCATCCTCCTGCTGCAGCACAG[C>T]TTCGCTTCTTGGTGGGCTCTGGGAAGGTTCCTGATCTGCATCAACATCAATGATGGAAAA-3'
Protein context (NP_115820.2, residues 1202-1222): EPSQSPPRSE[Ala1212Thr]VLQQEDEGAL